The following is an entry in ClinVar:

NM_004260.4(RECQL4):c.2861C>T (p.Ala954Val)

Gene: RECQL4 (RecQ like helicase 4; minus strand). Cytogenetic location: 8q24.3.
Variant type: single nucleotide variant.
Coding change: c.2861C>T on transcript NM_004260.4 (MANE Select); coding-DNA position 2861, C replaced by T.
Protein change: p.Ala954Val; replaces alanine 954 with valine.
Molecular consequence: missense variant.
Genome position (GRCh38, 1-based): chr8:144,512,666, G>A on the plus strand (C>T on the coding strand, the complement: RECQL4 is on the minus strand). VCF-style: chr8-144512666-G-A. GRCh37 (hg19) VCF-style: chr8-145738049-G-A.
Other names: short protein forms A954V.
Identifiers: ClinVar variation 1020391 (VCV001020391.4), dbSNP rs746594220, ClinGen allele CA4948049.

ClinVar aggregate classification (germline): Uncertain significance (1 of 4 stars; one submission).

Conditions:
Baller-Gerold syndrome (BGS). Also called: CRANIOSYNOSTOSIS WITH RADIAL DEFECTS. Identifiers: Orphanet 1225, MedGen C0265308, MONDO:0009039, OMIM 218600.

Allele frequency attached by ClinVar (database versions not stated): gnomAD exomes below 0.00001; ExAC 0.00001.
gnomAD v4.1: 7 of 1,612,576 alleles (0.00043%); highest among the groups gnomAD compares: Admixed American, 0.0017%; no homozygotes.

Submission:

Labcorp Genetics (formerly Invitae), Labcorp
Classification: Uncertain significance for Baller-Gerold syndrome. Last evaluated: 2023-04-13. Review status: criteria provided, single submitter. Criteria: Invitae Variant Classification Sherloc (09022015). Collection method: clinical testing. Allele origin: germline.
Comment: This sequence change replaces alanine, which is neutral and non-polar, with valine, which is neutral and non-polar, at codon 954 of the RECQL4 protein (p.Ala954Val). In summary, the available evidence is currently insufficient to determine the role of this variant in disease. Therefore, it has been classified as a Variant of Uncertain Significance. Advanced modeling of protein sequence and biophysical properties (such as structural, functional, and spatial information, amino acid conservation, physicochemical variation, residue mobility, and thermodynamic stability) performed at Invitae indicates that this missense variant is not expected to disrupt RECQL4 protein function. ClinVar contains an entry for this variant (Variation ID: 1020391). This variant has not been reported in the literature in individuals affected with RECQL4-related conditions. This variant is present in population databases (rs746594220, gnomAD 0.003%).